The following is an entry in ClinVar:

NM_000548.5(TSC2):c.5201_5216dup (p.Trp1740fs)

Gene: TSC2 (TSC complex subunit 2; plus strand). Cytogenetic location: 16p13.3.
Variant type: Duplication.
Coding change: c.5201_5216dup on transcript NM_000548.5 (MANE Select); coding-DNA positions 5201 to 5216, 16 bases duplicated (ATATCTACCCCTCCAA).
Protein change: p.Trp1740fs; shifts the reading frame from tryptophan 1740.
Molecular consequence: frameshift variant. On other transcripts: non-coding transcript variant (5).
Genome position (GRCh38, 1-based): chr16:2,088,267-2,088,282, ATATCTACCCCTCCAA duplicated. VCF-style (leftmost placement, unchanged base first): chr16-2088266-G-GATATCTACCCCTCCAA. GRCh37 (hg19) VCF-style: chr16-2138267-G-GATATCTACCCCTCCAA.
Other names: c.5000_5015dup, p.Trp1673fs (NM_001077183.3); c.5132_5147dup, p.Trp1717fs (NM_001114382.3); c.4892_4907dup, p.Trp1637fs (NM_001318827.2); c.4856_4871dup, p.Trp1625fs (NM_001318829.2); c.4469_4484dup, p.Trp1496fs (NM_001318831.2); c.5033_5048dup, p.Trp1684fs (NM_001318832.2); c.5003_5018dup, p.Trp1674fs (NM_001363528.2); c.5069_5084dup, p.Trp1696fs (NM_001370404.1); and 27 more; short protein forms W1139fs, W1225fs, W1226fs, W1248fs, W1249fs, W1269fs, W1473fs, W1474fs.
Identifiers: ClinVar variation 3777216 (VCV003777216.1).

ClinVar aggregate classification (germline): Pathogenic (1 of 4 stars; one submission).

Conditions:
Tuberous sclerosis 2 (TSC2). Identifiers: Orphanet 805, MedGen C1860707, MONDO:0013199, OMIM 613254.

Submission:

Oasi Research Institute-IRCCS
Classification: Pathogenic for Tuberous sclerosis 2. Review status: criteria provided, single submitter. Criteria: ACMG Guidelines, 2015. Collection method: research. Allele origin: de novo. Affected: yes.
Comment: The genomic variant represents a duplication within the coding sequence of the gene. This duplication may lead to a frameshift mutation. It is expected to result in an protein truncation or nonsense mediated decay. ACMG criteria: PP4 (phenotype match), PM2 (absent from control), PP3 (in silico evidence), PS2 (de novo) = Pathogenic. Based on the evidence outlined above, the variant was classified as Pathogenic.